The following is an entry in ClinVar:

ClinVar aggregate classification (germline): Pathogenic (1 of 4 stars; one submission).

gnomAD v4.1: 7 of 1,613,946 alleles (0.00043%); highest among the groups gnomAD compares: Non-Finnish European, 0.00042%; no homozygotes.

Submission:

GeneDx
Classification: Pathogenic. Last evaluated: 2026-04-21. Review status: criteria provided, single submitter. Criteria: GeneDx Variant Classification Process June 2021. Collection method: clinical testing. Allele origin: germline.
Comment: Not observed at significant frequency in large population cohorts (gnomAD); Nonsense variant predicted to result in protein truncation or nonsense mediated decay in a gene for which loss of function is a known mechanism of disease; This variant is associated with the following publications: (PMID: 41473596)

NM_006757.4(TNNT3):c.39C>G (p.Tyr13Ter)

Gene: TNNT3 (troponin T3, fast skeletal type; plus strand). Cytogenetic location: 11p15.5.
Variant type: single nucleotide variant.
Coding change: c.39C>G on transcript NM_006757.4 (MANE Select); coding-DNA position 39, C replaced by G.
Protein change: p.Tyr13Ter; replaces tyrosine 13 with a stop codon.
Molecular consequence: nonsense. On other transcripts: intron variant (3).
Genome position (GRCh38, 1-based): chr11:1,923,562, C>G. VCF-style: chr11-1923562-C-G. GRCh37 (hg19) VCF-style: chr11-1944792-C-G.
Other names: c.39C>G, p.Tyr13Ter (NM_001042780.3, NM_001042781.3, NM_001042782.3 and 10 more transcripts); c.-99+671C>G (NM_001367851.1); c.31+501C>G (NM_001367849.1); c.-117+671C>G (NM_001367852.1); short protein forms Y13*.
Identifiers: ClinVar variation 5037720 (VCV005037720.1).
Genomic context (GRCh38, chr11:1,923,562, plus strand): 5'-TCACGGGCTGCCCCTTCTAACGTGGTTCCCCTCTTTGTTCTGTCCCAATGCAGAGCAGTA[C>G]GAAGAAGAAGGTAATTCTGGCAACCACCGGAAGCCCCCCCAGCCCCTCCTTGGAACTTAA-3'